The following is an entry in ClinVar:

ClinVar aggregate classification (germline): Uncertain significance (1 of 4 stars; one submission).

Conditions:
Familial cancer of breast. Also called: BREAST CANCER, FAMILIAL; Hereditary breast cancer; hereditary breast carcinoma. Identifiers: Orphanet 227535, MedGen C0346153, MONDO:0016419, OMIM 114480. Disease mechanism: loss of function.

Submission:

Labcorp Genetics (formerly Invitae), Labcorp
Classification: Uncertain significance for Familial cancer of breast. Last evaluated: 2017-03-09. Review status: criteria provided, single submitter. Criteria: Invitae Variant Classification Sherloc (09022015). Collection method: clinical testing. Allele origin: germline.
Comment: Algorithms developed to predict the effect of missense changes on protein structure and function do not agree on the potential impact of this missense change (SIFT: "Tolerated"; PolyPhen-2: "Possibly Damaging"; Align-GVGD: "Class C0"). In summary, this variant is a novel missense change with uncertain impact on protein function. It has been classified as a Variant of Uncertain Significance. This variant is not present in population databases (ExAC no frequency) and has not been reported in the literature in individuals with a PALB2-related disease. This sequence change replaces isoleucine with leucine at codon 966 of the PALB2 protein (p.Ile966Leu). The isoleucine residue is highly conserved and there is a small physicochemical difference between isoleucine and leucine.

NM_024675.4(PALB2):c.2896A>T (p.Ile966Leu)

Gene: PALB2 (partner and localizer of BRCA2; minus strand). Cytogenetic location: 16p12.2.
Variant type: single nucleotide variant.
Coding change: c.2896A>T on transcript NM_024675.4 (MANE Select); coding-DNA position 2896, A replaced by T.
Protein change: p.Ile966Leu; replaces isoleucine 966 with leucine.
Molecular consequence: missense variant.
Genome position (GRCh38, 1-based): chr16:23,623,069, T>A on the plus strand (A>T on the coding strand, the complement: PALB2 is on the minus strand). VCF-style: chr16-23623069-T-A. GRCh37 (hg19) VCF-style: chr16-23634390-T-A.
Other names: short protein forms I966L.
Identifiers: ClinVar variation 460966 (VCV000460966.9), dbSNP rs786204248, ClinGen allele CA395144287.